The following is an entry in ClinVar:

NM_001128178.3(NPHP1):c.18G>C (p.Gln6His)

Gene: NPHP1 (nephrocystin 1; minus strand). Cytogenetic location: 2q13.
Variant type: single nucleotide variant.
Coding change: c.18G>C on transcript NM_001128178.3 (MANE Select); coding-DNA position 18, G replaced by C.
Protein change: p.Gln6His; replaces glutamine 6 with histidine.
Molecular consequence: missense variant.
Genome position (GRCh38, 1-based): chr2:110,204,951, C>G on the plus strand (G>C on the coding strand, the complement: NPHP1 is on the minus strand). VCF-style: chr2-110204951-C-G. GRCh37 (hg19) VCF-style: chr2-110962528-C-G.
Other names: c.18G>C, p.Gln6His (NM_000272.5, NM_001128179.3, NM_001374256.1 and 2 more transcripts); short protein forms Q6H.
Identifiers: ClinVar variation 3347655 (VCV003347655.1).

ClinVar aggregate classification (germline): Uncertain significance (0 of 4 stars; one submission).

Conditions:
NPHP1-related disorder. Also called: NPHP1-related disorders; NPHP1-related condition.

Submission:

PreventionGenetics, part of Exact Sciences
Classification: Uncertain significance for NPHP1-related condition. Last evaluated: 2024-07-29. Review status: no assertion criteria provided. Collection method: clinical testing. Allele origin: germline.
Comment: The NPHP1 c.18G>C variant is predicted to result in the amino acid substitution p.Gln6His. To our knowledge, this variant has not been reported in the literature or in a large population database, indicating this variant is rare. At this time, the clinical significance of this variant is uncertain due to the absence of conclusive functional and genetic evidence.